The following is an entry in ClinVar:

NM_201384.3(PLEC):c.7132A>G (p.Met2378Val)

Gene: PLEC (plectin; minus strand). Cytogenetic location: 8q24.3.
Variant type: single nucleotide variant.
Coding change: c.7132A>G on transcript NM_201384.3 (MANE Select); coding-DNA position 7132, A replaced by G.
Protein change: p.Met2378Val; replaces methionine 2378 with valine.
Molecular consequence: missense variant.
Genome position (GRCh38, 1-based): chr8:143,922,797, T>C on the plus strand (A>G on the coding strand, the complement: PLEC is on the minus strand). VCF-style: chr8-143922797-T-C. GRCh37 (hg19) VCF-style: chr8-144996965-T-C.
Other names: c.7213A>G, p.Met2405Val (NM_000445.5); c.7090A>G, p.Met2364Val (NM_201378.4); c.7066A>G, p.Met2356Val (NM_201379.3); c.7543A>G, p.Met2515Val (NM_201380.4); c.7036A>G, p.Met2346Val (NM_201381.3); c.7132A>G, p.Met2378Val (NM_201382.4); c.7144A>G, p.Met2382Val (NM_201383.3); c.7213A>G (NM_000445.3); short protein forms M2378V, M2515V, M2346V, M2356V, M2364V, M2382V, M2405V.
Identifiers: ClinVar variation 941282 (VCV000941282.11), dbSNP rs79121794, ClinGen allele CA4925747.
Genomic context (GRCh38, chr8:143,922,797, plus strand): 5'-GGGCCTGGGCTCGGCTCATCTCGGCCACACGCAGCTTGAGGCGCTCAGCCTCAGCGCTCA[T>C]CTCCAGCTGCCGCTGCCGCTCGGCCTCCAGCGTCCGCTGGAAGCCCTGCGTCTCCTCCGC-3'
Protein context (NP_958786.1, residues 2368-2388): LEAERQRQLE[Met2378Val]SAEAERLKLR

ClinVar aggregate classification (germline): Uncertain significance. Review status: criteria provided, multiple submitters, no conflicts (2 of 4 stars). 3 submissions from 3 submitters: Uncertain significance (3). Last evaluated 2025-09-28.

Conditions:
Epidermolysis bullosa simplex 5B, with muscular dystrophy (EBS5B). Also called: EPIDERMOLYSIS BULLOSA SIMPLEX AND LIMB-GIRDLE MUSCULAR DYSTROPHY; Epidermolysis bullosa simplex with muscular dystrophy. Identifiers: Orphanet 257, MedGen C2931072, MONDO:0009181, OMIM 226670.
Epidermolysis bullosa simplex, Ogna type (EBS5A). Also called: Pidermolysis bullosa simplex 5A, Ogna type; EPIDERMOLYSIS BULLOSA SIMPLEX 5A, OGNA TYPE. Identifiers: Orphanet 79401, MedGen C0432317, MONDO:0007555, OMIM 131950.
Epidermolysis bullosa simplex 5C, with pyloric atresia (EBS5C). Also called: Epidermolysis bullosa simplex with pyloric atresia; PLEC-Related Epidermolysis Bullosa with Pyloric Atresia; PLEC1-Related Epidermolysis Bullosa with Pyloric Atresia. Identifiers: Orphanet 158684, MedGen C2677349, MONDO:0012807, OMIM 612138.
Epidermolysis bullosa simplex with nail dystrophy (EBS5D). Identifiers: MedGen C4225309, MONDO:0014661, OMIM 616487.
Autosomal recessive limb-girdle muscular dystrophy type 2Q (LGMDR17). Also called: MUSCULAR DYSTROPHY, LIMB-GIRDLE, AUTOSOMAL RECESSIVE 17. Identifiers: Orphanet 254361, MedGen C3150989, MONDO:0013390, OMIM 613723.
Inborn genetic diseases. Identifiers: MedGen C0950123, MeSH D030342.

Allele frequency attached by ClinVar (database versions not stated): gnomAD 0.00001; gnomAD exomes 0.00001; ExAC 0.00005.
gnomAD v4.1: 14 of 1,592,486 alleles (0.00088%); highest among the groups gnomAD compares: East Asian, 0.0023%; no homozygotes.

Submissions (4):

Ambry Genetics
Classification: Uncertain significance for Inborn genetic diseases. Last evaluated: 2025-09-28. Review status: criteria provided, single submitter. Criteria: Ambry Variant Classification Scheme 2023. Collection method: clinical testing. Allele origin: germline.

Neuberg Centre For Genomic Medicine, NCGM
Classification: Uncertain significance for Autosomal recessive limb-girdle muscular dystrophy type 2Q. Last evaluated: 2023-05-20. Review status: criteria provided, single submitter. Criteria: ACMG Guidelines, 2015. Collection method: clinical testing. Allele origin: germline. Inheritance: Autosomal recessive inheritance. Affected: yes.
Comment: The observed missense c.7132A>G(p.Met2378Val) variant in PLEC gene has not been reported previously as a pathogenic variant nor a benign variant, to our knowledge. The p.Met2378Val variant has been reported with allele frequency of 0.001% in gnomAD Exomes. This variant has been submitted to the ClinVar database as Uncertain Significance. Computational evidences (Polyphen - Benign, SIFT - Tolerated and MutationTaster - Disease causing) predict conflicting evidence on protein structure and function for this variant. The amino acid change p.Met2378Val in PLEC is predicted as conserved by GERP++ and PhyloP across 100 vertebrates. The amino acid Met at position 2378 is changed to a Val changing protein sequence and it might alter its composition and physico-chemical properties. For these reasons, this variant has been classified as a Variant of Uncertain Significance (VUS).

Labcorp Genetics (formerly Invitae), Labcorp
Classification: Uncertain significance for Autosomal recessive limb-girdle muscular dystrophy type 2Q; Epidermolysis bullosa simplex, Ogna type; Epidermolysis bullosa simplex with nail dystrophy; Epidermolysis bullosa simplex 5C, with pyloric atresia; Epidermolysis bullosa simplex 5B, with muscular dystrophy. Last evaluated: 2020-03-22. Review status: criteria provided, single submitter. Criteria: Invitae Variant Classification Sherloc (09022015). Collection method: clinical testing. Allele origin: germline.
Comment: This variant is present in population databases (rs79121794, ExAC 0.01%). This sequence change replaces methionine with valine at codon 2405 of the PLEC protein (p.Met2405Val). The methionine residue is moderately conserved and there is a small physicochemical difference between methionine and valine. This variant has not been reported in the literature in individuals with PLEC-related conditions. In summary, the available evidence is currently insufficient to determine the role of this variant in disease. Therefore, it has been classified as a Variant of Uncertain Significance. Algorithms developed to predict the effect of sequence changes on RNA splicing suggest that this variant may create or strengthen a splice site, but this prediction has not been confirmed by published transcriptional studies. Algorithms developed to predict the effect of missense changes on protein structure and function (SIFT, PolyPhen-2, Align-GVGD) all suggest that this variant is likely to be tolerated, but these predictions have not been confirmed by published functional studies and their clinical significance is uncertain.

Dr. Peter K. Rogan Lab, Western University
No classification provided (evidence only). Condition: Thyroid cancer, nonmedullary, 1. Review status: no classification provided. Collection method: in vitro. Allele origin: not applicable. Functional consequence: retained intron. Not counted in ClinVar's aggregate classification.